The following is an entry in ClinVar:

ClinVar aggregate classification (germline): Uncertain significance (1 of 4 stars; one submission).

Conditions:
Ehlers-Danlos syndrome, classic type, 1 (EDSCL1). Also called: EHLERS-DANLOS SYNDROME, GRAVIS TYPE; EHLERS-DANLOS SYNDROME, SEVERE CLASSIC TYPE; Ehlers-Danlos syndrome, type 1; Ehlers-Danlos Syndrome, Classic Type, COL5A1-Related; EDS I. Identifiers: MedGen C0268335, MONDO:0019567, OMIM 130000.

Submission:

Labcorp Genetics (formerly Invitae), Labcorp
Classification: Uncertain significance for Ehlers-Danlos syndrome, classic type, 1. Last evaluated: 2024-08-02. Review status: criteria provided, single submitter. Criteria: Invitae Variant Classification Sherloc (09022015). Collection method: clinical testing. Allele origin: germline.
Comment: This sequence change affects codon 444 of the COL5A1 mRNA. It is a 'silent' change, meaning that it does not change the encoded amino acid sequence of the COL5A1 protein. This variant also falls at the last nucleotide of exon 8, which is part of the consensus splice site for this exon. This variant is not present in population databases (gnomAD no frequency). This variant has been observed in individual(s) with clinical features of Ehlers-Danlos syndrome (Invitae). Variants that disrupt the consensus splice site are a relatively common cause of aberrant splicing (PMID: 17576681, 9536098). Algorithms developed to predict the effect of sequence changes on RNA splicing suggest that this variant may disrupt the consensus splice site. In summary, the available evidence is currently insufficient to determine the role of this variant in disease. Therefore, it has been classified as a Variant of Uncertain Significance.

Literature cited by the submitters: PubMed 17576681; PubMed 9536098.

NM_000093.5(COL5A1):c.1332G>T (p.Gly444=)

Gene: COL5A1 (collagen type V alpha 1 chain; plus strand). Cytogenetic location: 9q34.3.
Variant type: single nucleotide variant.
Coding change: c.1332G>T on transcript NM_000093.5 (MANE Select); coding-DNA position 1332, G replaced by T.
Protein change: p.Gly444=; no amino-acid change (glycine 444 retained).
Molecular consequence: synonymous variant.
Genome position (GRCh38, 1-based): chr9:134,731,663, G>T. VCF-style: chr9-134731663-G-T. GRCh37 (hg19) VCF-style: chr9-137623509-G-T.
Other names: c.1332G>T, p.Gly444= (NM_001278074.1).
Identifiers: ClinVar variation 3661268 (VCV003661268.2).